The following is an entry in ClinVar:

NM_001242896.3(DEPDC5):c.767+1G>A

Gene: DEPDC5 (DEP domain containing 5, GATOR1 subcomplex subunit; plus strand). Cytogenetic location: 22q12.2.
Variant type: single nucleotide variant.
Coding change: c.767+1G>A on transcript NM_001242896.3 (MANE Select); the canonical splice donor site of the intron after coding-DNA position 767, G replaced by A.
Molecular consequence: splice donor variant.
Genome position (GRCh38, 1-based): chr22:31,792,818, G>A. VCF-style: chr22-31792818-G-A. GRCh37 (hg19) VCF-style: chr22-32188804-G-A.
Other names: c.767+1G>A (NM_001364319.2, NM_001007188.4, NM_001369903.1 and 7 more transcripts); c.683+1G>A (NM_001369901.1, NM_001369902.1).
Identifiers: ClinVar variation 1297052 (VCV001297052.8), dbSNP rs2148514247, ClinGen allele CA411289502.

ClinVar aggregate classification (germline): Pathogenic/Likely pathogenic. Review status: criteria provided, multiple submitters, no conflicts (2 of 4 stars). 2 submissions from 2 submitters: Pathogenic (1); Likely pathogenic (1). Last evaluated 2022-01-03.

Conditions:
Familial focal epilepsy with variable foci (FPEVF). Identifiers: Orphanet 98820, MedGen C1858477, MONDO:0020310.
Epilepsy, familial focal, with variable foci 1 (FFEVF1). Also called: DEPDC5-Related Epilepsy. Identifiers: MedGen C4551983, MONDO:0024556, OMIM 604364.

Submissions (2):

Institute of Human Genetics, University of Leipzig Medical Center
Classification: Pathogenic for Epilepsy, familial focal, with variable foci 1. Last evaluated: 2022-01-03. Review status: criteria provided, single submitter. Criteria: ACMG Guidelines, 2015. Collection method: clinical testing. Allele origin: de novo. Affected: yes.
Comment: This variant was identified as de novo (maternity and paternity confirmed)._x000D_ Criteria applied: PVS1, PS2_MOD, PM2_SUP

Labcorp Genetics (formerly Invitae), Labcorp
Classification: Likely pathogenic for Familial focal epilepsy with variable foci. Last evaluated: 2020-12-06. Review status: criteria provided, single submitter. Criteria: Invitae Variant Classification Sherloc (09022015). Collection method: clinical testing. Allele origin: germline.
Comment: In summary, the currently available evidence indicates that the variant is pathogenic, but additional data are needed to prove that conclusively. Therefore, this variant has been classified as Likely Pathogenic. Donor and acceptor splice site variants typically lead to a loss of protein function (PMID: 16199547), and loss-of-function variants in DEPDC5 are known to be pathogenic (PMID: 23542697, 23542701). This variant has not been reported in the literature in individuals with DEPDC5-related conditions. This variant is not present in population databases (ExAC no frequency). This sequence change affects a donor splice site in intron 12 of the DEPDC5 gene. It is expected to disrupt RNA splicing and likely results in an absent or disrupted protein product.

Literature cited by the submitters: PubMed 16199547 (cited by Labcorp Genetics (formerly Invitae), Labcorp); PubMed 23542697 (cited by Labcorp Genetics (formerly Invitae), Labcorp); PubMed 23542701 (cited by Labcorp Genetics (formerly Invitae), Labcorp).